The following is an entry in ClinVar:

ClinVar aggregate classification (germline): Uncertain significance (1 of 4 stars; one submission).

gnomAD v4.1: 20 of 1,610,190 alleles (0.0012%); highest among the groups gnomAD compares: Middle Eastern, 0.016%; no homozygotes.

Submission:

Labcorp Genetics (formerly Invitae), Labcorp
Classification: Uncertain significance. Last evaluated: 2024-12-17. Review status: criteria provided, single submitter. Criteria: Invitae Variant Classification Sherloc (09022015). Collection method: clinical testing. Allele origin: germline.
Comment: This sequence change replaces arginine, which is basic and polar, with glutamine, which is neutral and polar, at codon 646 of the RNF31 protein (p.Arg646Gln). This variant is present in population databases (rs748079228, gnomAD 0.01%). This variant has not been reported in the literature in individuals affected with RNF31-related conditions. An algorithm developed to predict the effect of missense changes on protein structure and function (PolyPhen-2) suggests that this variant is likely to be tolerated. In summary, the available evidence is currently insufficient to determine the role of this variant in disease. Therefore, it has been classified as a Variant of Uncertain Significance.

NM_017999.5(RNF31):c.1937G>A (p.Arg646Gln)

Gene: RNF31 (ring finger protein 31; plus strand). Cytogenetic location: 14q12.
Variant type: single nucleotide variant.
Coding change: c.1937G>A on transcript NM_017999.5 (MANE Select); coding-DNA position 1937, G replaced by A.
Protein change: p.Arg646Gln; replaces arginine 646 with glutamine.
Molecular consequence: missense variant.
Genome position (GRCh38, 1-based): chr14:24,151,799, G>A. VCF-style: chr14-24151799-G-A. GRCh37 (hg19) VCF-style: chr14-24621008-G-A.
Other names: c.1484G>A, p.Arg495Gln (NM_001310332.2); short protein forms R495Q, R646Q.
Identifiers: ClinVar variation 3612614 (VCV003612614.2).